The following is an entry in ClinVar:

NM_001286.5(CLCN6):c.2210G>A (p.Arg737His)

Gene: CLCN6 (chloride voltage-gated channel 6; plus strand). Cytogenetic location: 1p36.22.
Variant type: single nucleotide variant.
Coding change: c.2210G>A on transcript NM_001286.5 (MANE Select); coding-DNA position 2210, G replaced by A.
Protein change: p.Arg737His; replaces arginine 737 with histidine.
Molecular consequence: missense variant. On other transcripts: non-coding transcript variant (1).
Genome position (GRCh38, 1-based): chr1:11,837,414, G>A. VCF-style: chr1-11837414-G-A. GRCh37 (hg19) VCF-style: chr1-11897471-G-A.
Other names: c.2144G>A, p.Arg715His (NM_001256959.2); short protein forms R737H, R715H.
Identifiers: ClinVar variation 1353157 (VCV001353157.8), dbSNP rs1488320162, ClinGen allele CA338440956.

ClinVar aggregate classification (germline): Uncertain significance (1 of 4 stars; one submission).

Allele frequency attached by ClinVar (database versions not stated): gnomAD exomes below 0.00001; TOPMed below 0.00001; gnomAD 0.00001.
gnomAD v4.1: 6 of 1,614,034 alleles (0.00037%); highest among the groups gnomAD compares: Non-Finnish European, 0.00051%; no homozygotes.

Submission:

Labcorp Genetics (formerly Invitae), Labcorp
Classification: Uncertain significance. Last evaluated: 2024-01-17. Review status: criteria provided, single submitter. Criteria: Invitae Variant Classification Sherloc (09022015). Collection method: clinical testing. Allele origin: germline.
Comment: This sequence change replaces arginine, which is basic and polar, with histidine, which is basic and polar, at codon 737 of the CLCN6 protein (p.Arg737His). This variant is present in population databases (no rsID available, gnomAD 0.0009%). This variant has not been reported in the literature in individuals affected with CLCN6-related conditions. ClinVar contains an entry for this variant (Variation ID: 1353157). An algorithm developed to predict the effect of missense changes on protein structure and function (PolyPhen-2) suggests that this variant is likely to be disruptive. In summary, the available evidence is currently insufficient to determine the role of this variant in disease. Therefore, it has been classified as a Variant of Uncertain Significance.